The following is an entry in ClinVar:

ClinVar aggregate classification (germline): Pathogenic. Review status: criteria provided, multiple submitters, no conflicts (2 of 4 stars). 3 submissions from 3 submitters: Pathogenic (3). Last evaluated 2025-06-17.
ClinVar aggregate classification (somatic clinical impact): Tier I - Strong (1 of 4 stars; one submission).

Conditions:
Rhabdoid tumor predisposition syndrome 1 (RTPS1). Also called: Familial Posterior Fossa Brain Tumor of Infancy. Identifiers: Orphanet 231108, Orphanet 69077, MedGen C1836327, MONDO:0012252, OMIM 609322.
Atypical teratoid rhabdoid tumor. Also called: Atypical teratoid/rhabdoid tumor. Identifiers: Orphanet 99966, MedGen C1266184, MONDO:0020560, HP:0034401.

Submissions (4):

St. Jude Molecular Pathology, St. Jude Children's Research Hospital
Classification: Pathogenic for Rhabdoid tumor predisposition syndrome 1. Last evaluated: 2025-06-17. Review status: criteria provided, single submitter. Criteria: St. Jude Assertion Criteria 2020. Collection method: clinical testing. Allele origin: germline.
Comment: The SMARCB1 c.118C>T p.(Arg40Ter) change is a nonsense variant that is predicted to cause premature protein truncation or absence of protein due to nonsense-mediated decay. This variant has been reported in individuals with rhabdoid tumors (PMID: 21208904, 23510391, 32218533, internal data). This variant is also absent in gnomAD v2.1.1. In summary, this variant meets criteria to be classified as pathogenic.

Molecular Pathology, Peter Maccallum Cancer Centre
Classification: Pathogenic for Rhabdoid tumor predisposition syndrome 1. Last evaluated: 2024-12-31. Review status: criteria provided, single submitter. Criteria: ACMG Guidelines, 2015. Collection method: clinical testing. Allele origin: germline. Inheritance: Autosomal dominant inheritance.

Institute for Genomic Medicine (IGM) Clinical Laboratory, Nationwide Children's Hospital
Classification: Tier I - Strong for Atypical teratoid rhabdoid tumor. Assertion type: diagnostic. Clinical significance: supports diagnosis. Last evaluated: 2022-12-23. Review status: criteria provided, single submitter. Criteria: AMP/ASCO/CAP Guidelines, 2017. Collection method: clinical testing. Allele origin: somatic. Affected: yes.
Comment: Variant has Tier I (strong) clinical significance as a diagnostic inclusion criterion in atypical teratoid rhabdoid tumor, based on the following evidence: 1) Documented in one or more cancer databases (e.g., St. Jude Pecan, COSMIC, CIViC, OncoKB). 2) Appears in one or more well-established professional guidelines (e.g., World Health Organization [WHO]; National Comprehensive Cancer Network [NCCN]) as providing diagnostic, prognostic, or therapeutic information. 3) Information in the literature supports potential biologic effect of variant. 4) Diagnostic for a specific tumor type/classification according to professional guidelines (Evidence Level A; PMIDs: 22797305, 9892189, 9671307, 26923874, 23074045).

Labcorp Genetics (formerly Invitae), Labcorp
Classification: Pathogenic. Last evaluated: 2021-11-08. Review status: criteria provided, single submitter. Criteria: Invitae Variant Classification Sherloc (09022015). Collection method: clinical testing. Allele origin: germline.
Comment: This sequence change creates a premature translational stop signal (p.Arg40*) in the SMARCB1 gene. It is expected to result in an absent or disrupted protein product. Loss-of-function variants in SMARCB1 are known to be pathogenic (PMID: 10521299, 21208904). For these reasons, this variant has been classified as Pathogenic. ClinVar contains an entry for this variant (Variation ID: 410698). This premature translational stop signal has been observed in individual(s) with rhabdoid tumors (PMID: 21208904, 23510391, 24933152). In at least one individual the variant was observed to be de novo. This variant is not present in population databases (gnomAD no frequency).

Literature cited by the submitters: PubMed 22797305 (cited by Institute for Genomic Medicine (IGM) Clinical Laboratory, Nationwide Children's Hospital); PubMed 9892189 (cited by Institute for Genomic Medicine (IGM) Clinical Laboratory, Nationwide Children's Hospital); PubMed 9671307 (cited by Institute for Genomic Medicine (IGM) Clinical Laboratory, Nationwide Children's Hospital); PubMed 26923874 (cited by Institute for Genomic Medicine (IGM) Clinical Laboratory, Nationwide Children's Hospital); PubMed 23074045 (cited by Institute for Genomic Medicine (IGM) Clinical Laboratory, Nationwide Children's Hospital); PubMed 10521299 (cited by Labcorp Genetics (formerly Invitae), Labcorp); PubMed 21208904 (cited by Labcorp Genetics (formerly Invitae), Labcorp); PubMed 23510391 (cited by Labcorp Genetics (formerly Invitae), Labcorp); PubMed 24933152 (cited by Labcorp Genetics (formerly Invitae), Labcorp).

NM_003073.5(SMARCB1):c.118C>T (p.Arg40Ter)

Gene: SMARCB1 (SWI/SNF related BAF chromatin remodeling complex subunit B1; plus strand). Cytogenetic location: 22q11.23.
Variant type: single nucleotide variant.
Coding change: c.118C>T on transcript NM_003073.5 (MANE Select); coding-DNA position 118, C replaced by T.
Protein change: p.Arg40Ter; replaces arginine 40 with a stop codon.
Molecular consequence: nonsense.
Genome position (GRCh38, 1-based): chr22:23,791,780, C>T. VCF-style: chr22-23791780-C-T. GRCh37 (hg19) VCF-style: chr22-24133967-C-T.
Other names: c.118C>T (LRG_520t1); c.118C>T, p.Arg40Ter (NM_001007468.3, NM_001317946.2, NM_001362877.2); short protein forms R40*.
Identifiers: ClinVar variation 410698 (VCV000410698.11), dbSNP rs1060503015, ClinGen allele CA16616318.
Genomic context (GRCh38, chr22:23,791,780, plus strand): 5'-CGACCCTTATAATGAGCCTTCTTGCTTTACTCATAGGTGGGAAACTACCTCCGTATGTTC[C>T]GAGGTTCTCTGTACAAGAGATACCCCTCACTCTGGAGGCGACTAGCCACTGTGGAAGAGA-3'